The following is an entry in ClinVar:

NM_007262.5(PARK7):c.235G>A (p.Ala79Thr)

Gene: PARK7 (Parkinsonism associated deglycase; plus strand). Cytogenetic location: 1p36.23.
Variant type: single nucleotide variant.
Coding change: c.235G>A on transcript NM_007262.5 (MANE Select); coding-DNA position 235, G replaced by A.
Protein change: p.Ala79Thr; replaces alanine 79 with threonine.
Molecular consequence: missense variant.
Genome position (GRCh38, 1-based): chr1:7,969,387, G>A. VCF-style: chr1-7969387-G-A. GRCh37 (hg19) VCF-style: chr1-8029447-G-A.
Other names: c.235G>A, p.Ala79Thr (NM_001123377.2); short protein forms A79T.
Identifiers: ClinVar variation 4741108 (VCV004741108.1).

ClinVar aggregate classification (germline): Uncertain significance (1 of 4 stars; one submission).

Conditions:
Autosomal recessive early-onset Parkinson disease 7. Identifiers: Orphanet 2828, MedGen C1853445, MONDO:0011658, OMIM 606324.

gnomAD v4.1: 28 of 1,560,514 alleles (0.0018%); highest among the groups gnomAD compares: Admixed American, 0.0051%; 1 homozygote.

Submission:

Labcorp Genetics (formerly Invitae), Labcorp
Classification: Uncertain significance for Autosomal recessive early-onset Parkinson disease 7. Last evaluated: 2025-08-23. Review status: criteria provided, single submitter. Criteria: Invitae Variant Classification Sherloc (09022015). Collection method: clinical testing. Allele origin: germline.
Comment: This sequence change replaces alanine, which is neutral and non-polar, with threonine, which is neutral and polar, at codon 79 of the PARK7 protein (p.Ala79Thr). This variant is present in population databases (rs45601537, gnomAD 0.006%). This variant has not been reported in the literature in individuals affected with PARK7-related conditions. An algorithm developed to predict the effect of missense changes on protein structure and function (PolyPhen-2) suggests that this variant is likely to be disruptive. In summary, the available evidence is currently insufficient to determine the role of this variant in disease. Therefore, it has been classified as a Variant of Uncertain Significance.